The following is an entry in ClinVar:

NM_005732.4(RAD50):c.1907A>G (p.Gln636Arg)

Gene: RAD50 (RAD50 double strand break repair protein; plus strand). Cytogenetic location: 5q31.1.
Variant type: single nucleotide variant.
Coding change: c.1907A>G on transcript NM_005732.4 (MANE Select); coding-DNA position 1907, A replaced by G.
Protein change: p.Gln636Arg; replaces glutamine 636 with arginine.
Molecular consequence: missense variant.
Genome position (GRCh38, 1-based): chr5:132,594,982, A>G. VCF-style: chr5-132594982-A-G. GRCh37 (hg19) VCF-style: chr5-131930674-A-G.
Other names: short protein forms Q636R.
Identifiers: ClinVar variation 4862830 (VCV004862830.1).

ClinVar aggregate classification (germline): Uncertain significance (1 of 4 stars; one submission).

Conditions:
Hereditary cancer-predisposing syndrome. Also called: Neoplastic Syndromes, Hereditary; Tumor predisposition; Hereditary Cancer Syndrome; Hereditary neoplastic syndrome. Identifiers: Orphanet 140162, MedGen C0027672, MeSH D009386, MONDO:0015356.

Submission:

Ambry Genetics
Classification: Uncertain significance for Hereditary cancer-predisposing syndrome. Last evaluated: 2026-03-29. Review status: criteria provided, single submitter. Criteria: Ambry Variant Classification Scheme 2023. Collection method: clinical testing. Allele origin: germline.
Comment: The p.Q636R variant (also known as c.1907A>G), located in coding exon 12 of the RAD50 gene, results from an A to G substitution at nucleotide position 1907. The glutamine at codon 636 is replaced by arginine, an amino acid with highly similar properties. This amino acid position is conserved. In addition, this alteration is predicted to be tolerated by in silico analysis. Based on the available evidence, the clinical significance of this variant remains unclear.